The following is an entry in ClinVar:

ClinVar aggregate classification (germline): Likely pathogenic (1 of 4 stars; one submission).

Submission:

GeneDx
Classification: Likely pathogenic. Last evaluated: 2018-06-21. Review status: criteria provided, single submitter. Criteria: GeneDx Variant Classification (06012015). Collection method: clinical testing. Allele origin: germline. Affected: yes.
Comment: A variant that is likely pathogenic has been identified in the SCN1A gene. The c.4965delG variant has not been published as a pathogenic variant, nor has it been reported as a benign variant to our knowledge. The c.4965delG variant causes a frameshift starting with codon Isoleucine 1656, changes this amino acid to a Serine residue and creates a premature Stop codon at position 8 of the new reading frame, denoted p.Ile1656SerfsX8. The c.4965delG frameshift variant is predicted to result in protein truncation, as the last 354 amino acids are lost and replaced with 7 incorrect amino acids. The c.4965delG variant is not observed in large population cohorts (Lek et al., 2016). Therefore, this variant is likely pathogenic; however, the possibility that it is benign cannot be excluded.

NM_001165963.4(SCN1A):c.4965del (p.Ile1656fs)

Genes: SCN1A (sodium voltage-gated channel alpha subunit 1; minus strand), LOC102724058 (uncharacterized LOC102724058; plus strand). Cytogenetic location: 2q24.3.
Variant type: Deletion.
Coding change: c.4965del on transcript NM_001165963.4 (MANE Select); coding-DNA position 4965, one base deleted (G; older notation c.4965delG).
Protein change: p.Ile1656fs; shifts the reading frame from isoleucine 1656.
Molecular consequence: frameshift variant. On other transcripts: non-coding transcript variant (1).
Genome position (GRCh38, 1-based): chr2:165,992,310, C deleted on the plus strand (G on the coding strand, the reverse complement: SCN1A is on the minus strand); the first of 4 consecutive C bases (chr2:165,992,310-165,992,313); deleting any one gives the same sequence. VCF-style (leftmost placement, unchanged base first): chr2-165992309-TC-T. GRCh37 (hg19) VCF-style: chr2-166848819-TC-T.
Other names: c.4881del, p.Ile1628fs (NM_001165964.3, NM_001353957.2, NM_001353958.2); c.4965del, p.Ile1656fs (NM_001202435.3, NM_001353948.2); c.4932del, p.Ile1645fs (NM_001353949.2, NM_001353950.2, NM_001353951.2 and 2 more transcripts); c.4929del, p.Ile1644fs (NM_001353954.2, NM_001353955.2); c.4878del, p.Ile1627fs (NM_001353960.2); c.2523del, p.Ile842fs (NM_001353961.2); short protein forms I1628fs, I1644fs, I842fs, I1656fs, I1645fs, I1627fs.
Identifiers: ClinVar variation 817111 (VCV000817111.1), dbSNP rs1573952473, ClinGen allele CA915942869.